The following is an entry in ClinVar:

ClinVar aggregate classification (germline): Uncertain significance. Review status: criteria provided, multiple submitters, no conflicts (2 of 4 stars). 2 submissions from 2 submitters: Uncertain significance (2). Last evaluated 2025-05-16.

Conditions:
Dyskeratosis congenita. Identifiers: Orphanet 1775, MedGen C0265965, MONDO:0015780.

Allele frequency attached by ClinVar (database versions not stated): TOPMed 0.00001.

Submissions (2):

GeneDx
Classification: Uncertain significance. Last evaluated: 2025-05-16. Review status: criteria provided, single submitter. Criteria: GeneDx Variant Classification Process June 2021. Collection method: clinical testing. Allele origin: germline. Affected: yes.
Comment: Reported in a patient with idiopathic pulmonary fibrosis; however, they were also found to have a variant in the RTEL1 gene (PMID: 39748130); Not observed at significant frequency in large population cohorts (gnomAD); In silico analysis supports that this missense variant has a deleterious effect on protein structure/function; This variant is associated with the following publications: (PMID: 39748130)

Labcorp Genetics (formerly Invitae), Labcorp
Classification: Uncertain significance for Dyskeratosis congenita. Last evaluated: 2024-07-08. Review status: criteria provided, single submitter. Criteria: Invitae Variant Classification Sherloc (09022015). Collection method: clinical testing. Allele origin: germline.
Comment: This sequence change replaces proline, which is neutral and non-polar, with serine, which is neutral and polar, at codon 370 of the TINF2 protein (p.Pro370Ser). This variant is not present in population databases (gnomAD no frequency). This variant has not been reported in the literature in individuals affected with TINF2-related conditions. ClinVar contains an entry for this variant (Variation ID: 1408164). An algorithm developed to predict the effect of missense changes on protein structure and function (PolyPhen-2) suggests that this variant is likely to be disruptive. In summary, the available evidence is currently insufficient to determine the role of this variant in disease. Therefore, it has been classified as a Variant of Uncertain Significance.

NM_001099274.3(TINF2):c.1108C>T (p.Pro370Ser)

Gene: TINF2 (TERF1 interacting nuclear factor 2; minus strand). Cytogenetic location: 14q12.
Variant type: single nucleotide variant.
Coding change: c.1108C>T on transcript NM_001099274.3 (MANE Select); coding-DNA position 1108, C replaced by T.
Protein change: p.Pro370Ser; replaces proline 370 with serine.
Molecular consequence: missense variant. On other transcripts: 3 prime UTR variant (1).
Genome position (GRCh38, 1-based): chr14:24,240,284, G>A on the plus strand (C>T on the coding strand, the complement: TINF2 is on the minus strand). VCF-style: chr14-24240284-G-A. GRCh37 (hg19) VCF-style: chr14-24709490-G-A.
Other names: c.1003C>T, p.Pro335Ser (NM_001363668.2); c.*131C>T (NM_012461.3); c.1108C>T (NM_001099274.1); short protein forms P335S, P370S.
Identifiers: ClinVar variation 1408164 (VCV001408164.9), dbSNP rs2040541718, ClinGen allele CA389222638.